The following is an entry in ClinVar:

ClinVar aggregate classification (germline): Likely benign (0 of 4 stars; one submission).

Conditions:
SPINK2-related disorder. Also called: SPINK2-related condition.

Submission:

PreventionGenetics, part of Exact Sciences
Classification: Likely benign for SPINK2-related condition. Last evaluated: 2019-07-03. Review status: no assertion criteria provided. Collection method: clinical testing. Allele origin: germline.
Comment: This variant is classified as likely benign based on ACMG/AMP sequence variant interpretation guidelines (Richards et al. 2015 PMID: 25741868, with internal and published modifications).

NM_001271718.2(SPINK2):c.205+7del

Gene: SPINK2 (serine peptidase inhibitor Kazal type 2; minus strand). Cytogenetic location: 4q12.
Variant type: Deletion.
Coding change: c.205+7del on transcript NM_001271718.2 (MANE Select); 7 bases into the intron after coding-DNA position 205, one base deleted (G; older notation c.205+7delG).
Molecular consequence: intron variant. On other transcripts: non-coding transcript variant (2).
Genome position (GRCh38, 1-based): chr4:56,821,451, C deleted on the plus strand (G on the coding strand, the reverse complement: SPINK2 is on the minus strand); the first of 2 consecutive C bases (chr4:56,821,451-56,821,452); deleting either gives the same sequence. VCF-style (leftmost placement, unchanged base first): chr4-56821450-TC-T. GRCh37 (hg19) VCF-style: chr4-57687616-TC-T.
Other names: c.55+157del (NM_021114.4); c.160+52del (NM_001271721.2, NM_001271720.2); c.205+7del (NM_001271722.2, NM_001271719.2).
Identifiers: ClinVar variation 3042631 (VCV003042631.2), dbSNP rs1717926462, ClinGen allele CA1062835532.